The following is an entry in ClinVar:

NM_001001331.4(ATP2B2):c.1951C>T (p.Arg651Cys)

Gene: ATP2B2 (ATPase plasma membrane Ca2+ transporting 2; minus strand). Cytogenetic location: 3p25.3.
Variant type: single nucleotide variant.
Coding change: c.1951C>T on transcript NM_001001331.4 (MANE Select); coding-DNA position 1951, C replaced by T.
Protein change: p.Arg651Cys; replaces arginine 651 with cysteine.
Molecular consequence: missense variant.
Genome position (GRCh38, 1-based): chr3:10,358,876, G>A on the plus strand (C>T on the coding strand, the complement: ATP2B2 is on the minus strand). VCF-style: chr3-10358876-G-A. GRCh37 (hg19) VCF-style: chr3-10400560-G-A.
Other names: c.1816C>T, p.Arg606Cys (NM_001330611.3, NM_001353564.1, NM_001363862.1 and 1 more transcripts); short protein forms R606C, R651C.
Identifiers: ClinVar variation 2181488 (VCV002181488.4), dbSNP rs748864193, ClinGen allele CA2253531.
Genomic context (GRCh38, chr3:10,358,876, plus strand): 5'-TGCGGAGCCCATCGCAAGCCATGGGCTCAATCACCTTCTTTACCATCTCGTCCCGGTCGC[G>A]GGGCCGGAAGACACGAGGCTCTCCCGCCCCATTGAGGATTTTGCAGCACCTAGGGGAGGA-3'
Protein context (NP_001001331.1, residues 641-661): GAGEPRVFRP[Arg651Cys]DRDEMVKKVI

ClinVar aggregate classification (germline): Uncertain significance (1 of 4 stars; one submission).

Allele frequency attached by ClinVar (database versions not stated): gnomAD 0.00001; TOPMed 0.00001.
gnomAD v4.1: 35 of 1,613,938 alleles (0.0022%); highest among the groups gnomAD compares: African/African-American, 0.004%; no homozygotes.

Submission:

Labcorp Genetics (formerly Invitae), Labcorp
Classification: Uncertain significance. Last evaluated: 2022-07-26. Review status: criteria provided, single submitter. Criteria: Invitae Variant Classification Sherloc (09022015). Collection method: clinical testing. Allele origin: germline.
Comment: In summary, the available evidence is currently insufficient to determine the role of this variant in disease. Therefore, it has been classified as a Variant of Uncertain Significance. Advanced modeling of protein sequence and biophysical properties (such as structural, functional, and spatial information, amino acid conservation, physicochemical variation, residue mobility, and thermodynamic stability) performed at Invitae indicates that this missense variant is not expected to disrupt ATP2B2 protein function. This variant has not been reported in the literature in individuals affected with ATP2B2-related conditions. This variant is present in population databases (rs748864193, gnomAD 0.004%). This sequence change replaces arginine, which is basic and polar, with cysteine, which is neutral and slightly polar, at codon 606 of the ATP2B2 protein (p.Arg606Cys).